The following is an entry in ClinVar:

NM_001048174.2(MUTYH):c.56A>G (p.Gln19Arg)

Gene: MUTYH (mutY DNA glycosylase; minus strand). Cytogenetic location: 1p34.1.
Variant type: single nucleotide variant.
Coding change: c.56A>G on transcript NM_001048174.2 (MANE Select); coding-DNA position 56, A replaced by G.
Protein change: p.Gln19Arg; replaces glutamine 19 with arginine.
Molecular consequence: missense variant. On other transcripts: 5 prime UTR variant (4), non-coding transcript variant (2).
Genome position (GRCh38, 1-based): chr1:45,334,450, T>C on the plus strand (A>G on the coding strand, the complement: MUTYH is on the minus strand). VCF-style: chr1-45334450-T-C. GRCh37 (hg19) VCF-style: chr1-45800122-T-C.
Other names: c.56A>G, p.Gln19Arg (NM_001048171.2, NM_001048172.2, NM_001048173.2 and 2 more transcripts); c.98A>G, p.Gln33Arg (NM_001128425.2, NM_001293190.2, NM_012222.3); c.-157A>G (NM_001293192.2, NM_001293196.2); c.-216A>G (NM_001350650.2); c.-152A>G (NM_001350651.2); short protein forms Q33R, Q19R.
Identifiers: ClinVar variation 480009 (VCV000480009.15), dbSNP rs863224701, ClinGen allele CA340137130.

ClinVar aggregate classification (germline): Conflicting classifications of pathogenicity. Review status: criteria provided, conflicting classifications (1 of 4 stars). 4 submissions from 4 submitters: Uncertain significance (3); Benign (1). Last evaluated 2026-01-26.

Conditions:
Hereditary cancer-predisposing syndrome. Also called: Hereditary neoplastic syndrome; Hereditary Cancer Syndrome; Neoplastic Syndromes, Hereditary; Tumor predisposition. Identifiers: Orphanet 140162, MedGen C0027672, MeSH D009386, MONDO:0015356.
Familial adenomatous polyposis 2. Also called: MYH-associated polyposis; COLORECTAL ADENOMATOUS POLYPOSIS, AUTOSOMAL RECESSIVE; ADENOMAS, MULTIPLE COLORECTAL, AUTOSOMAL RECESSIVE; MUTYH-related attenuated familial adenomatous polyposis; Adenomas, multiple colorectal; FAP type 2. Identifiers: Orphanet 220460, Orphanet 247798, MedGen C3272841, MONDO:0012041, OMIM 608456.

Submissions (4):

Labcorp Genetics (formerly Invitae), Labcorp
Classification: Uncertain significance for Familial adenomatous polyposis 2. Last evaluated: 2026-01-26. Review status: criteria provided, single submitter. Criteria: Invitae Variant Classification Sherloc (09022015). Collection method: clinical testing. Allele origin: germline.
Comment: This sequence change replaces glutamine, which is neutral and polar, with arginine, which is basic and polar, at codon 33 of the MUTYH protein (p.Gln33Arg). This variant is not present in population databases (gnomAD no frequency). This variant has not been reported in the literature in individuals affected with MUTYH-related conditions. ClinVar contains an entry for this variant (Variation ID: 480009). An algorithm developed to predict the effect of missense changes on protein structure and function outputs the following: PolyPhen-2: "Benign". The arginine amino acid residue is found in multiple mammalian species, which suggests that this missense change does not adversely affect protein function. In summary, the available evidence is currently insufficient to determine the role of this variant in disease. Therefore, it has been classified as a Variant of Uncertain Significance.

Ambry Genetics
Classification: Benign for Hereditary cancer-predisposing syndrome. Last evaluated: 2025-08-27. Review status: criteria provided, single submitter. Criteria: Ambry Variant Classification Scheme 2023. Collection method: clinical testing. Allele origin: germline.

GeneDx
Classification: Uncertain significance. Last evaluated: 2024-08-11. Review status: criteria provided, single submitter. Criteria: GeneDx Variant Classification Process June 2021. Collection method: clinical testing. Allele origin: germline. Affected: yes.
Comment: Not observed at significant frequency in large population cohorts (gnomAD); In silico analysis supports that this missense variant has a deleterious effect on protein structure/function; Has not been previously published as pathogenic or benign to our knowledge

All of Us Research Program, National Institutes of Health
Classification: Uncertain significance for Familial adenomatous polyposis 2. Last evaluated: 2024-03-05. Review status: criteria provided, single submitter. Criteria: ACMG Guidelines, 2015. Collection method: clinical testing. Allele origin: germline. Inheritance: Autosomal recessive inheritance. Observed: 1 variant allele, 1 heterozygote.
Comment: This study involves interpretation of variants in research participants for the purpose of population health screening. Participant phenotype was not available at the time of variant classification. Additional details can be found in publication PMID: 35346344, PMCID: PMC8962531